The following is an entry in ClinVar:

NM_001354604.2(MITF):c.880+5A>G

Gene: MITF (melanocyte inducing transcription factor; plus strand). Cytogenetic location: 3p13.
Variant type: single nucleotide variant.
Coding change: c.880+5A>G on transcript NM_001354604.2 (MANE Select); 5 bases into the intron after coding-DNA position 880, A replaced by G.
Molecular consequence: intron variant.
Genome position (GRCh38, 1-based): chr3:69,949,173, A>G. VCF-style: chr3-69949173-A-G. GRCh37 (hg19) VCF-style: chr3-69998324-A-G.
Other names: c.829+5A>G (NM_001354607.2); c.724+5A>G (NM_001354608.2, NM_001184967.2); c.880+5A>G (NM_198159.3); c.877+5A>G (NM_001354605.2, NM_001354606.2, NM_006722.3); c.832+5A>G (NM_198177.3); c.559+5A>G (NM_000248.4, NM_198158.3); c.391+5A>G (NM_198178.3).
Identifiers: ClinVar variation 2939179 (VCV002939179.3), dbSNP rs745635782, ClinGen allele CA2490492.
Genomic context (GRCh38, chr3:69,949,173, plus strand): 5'-CACCATCAGCAACTCCTGTCCAGCCAACCTTCCCAACATAAAAAGGGAGCTCACAGGTAA[A>G]CACCTAGTAAATGTGCCTCTTACTGCAGATTTCTGTCCATTTCCTGATAAGACAAAGTTA-3'

ClinVar aggregate classification (germline): Uncertain significance (1 of 4 stars; one submission).

Conditions:
Tietz syndrome (TADS). Also called: ALBINISM-DEAFNESS OF TIETZ; HYPOPIGMENTATION/DEAFNESS OF TIETZ; TIETZ ALBINISM-DEAFNESS SYNDROME. Identifiers: Orphanet 42665, MedGen C0391816, MONDO:0007077, OMIM 103500.
Waardenburg syndrome type 2A (WS2A). Also called: WAARDENBURG SYNDROME WITHOUT DYSTOPIA CANTHORUM. Identifiers: Orphanet 3440, MedGen C1860339, MONDO:0008671, OMIM 193510.
Melanoma, cutaneous malignant, susceptibility to, 8. Also called: MELANOMA AND RENAL CELL CARCINOMA, SUSCEPTIBILITY TO; Cutaneous malignant melanoma 8. Identifiers: Orphanet 293822, MedGen C3152204, MONDO:0013759, OMIM 614456.

Allele frequency attached by ClinVar (database versions not stated): TOPMed below 0.00001; ExAC 0.00001; gnomAD 0.00001.
gnomAD v4.1: 2 of 1,593,528 alleles (0.00013%); highest among the groups gnomAD compares: African/African-American, 0.0027%; no homozygotes.

Submission:

Labcorp Genetics (formerly Invitae), Labcorp
Classification: Uncertain significance for Melanoma, cutaneous malignant, susceptibility to, 8; Waardenburg syndrome type 2A; Tietz syndrome. Last evaluated: 2024-04-17. Review status: criteria provided, single submitter. Criteria: Invitae Variant Classification Sherloc (09022015). Collection method: clinical testing. Allele origin: germline.
Comment: This sequence change falls in intron 5 of the MITF gene. It does not directly change the encoded amino acid sequence of the MITF protein. It affects a nucleotide within the consensus splice site. This variant is not present in population databases (gnomAD no frequency). This variant has not been reported in the literature in individuals affected with MITF-related conditions. Variants that disrupt the consensus splice site are a relatively common cause of aberrant splicing (PMID: 17576681, 9536098). Algorithms developed to predict the effect of sequence changes on RNA splicing suggest that this variant is not likely to affect RNA splicing. In summary, the available evidence is currently insufficient to determine the role of this variant in disease. Therefore, it has been classified as a Variant of Uncertain Significance.

Literature cited by the submitters: PubMed 17576681; PubMed 9536098.